The following is an entry in ClinVar:

NM_012144.4(DNAI1):c.806T>C (p.Met269Thr)

Gene: DNAI1 (dynein axonemal intermediate chain 1; plus strand). Cytogenetic location: 9p13.3.
Variant type: single nucleotide variant.
Coding change: c.806T>C on transcript NM_012144.4 (MANE Select); coding-DNA position 806, T replaced by C.
Protein change: p.Met269Thr; replaces methionine 269 with threonine.
Molecular consequence: missense variant.
Genome position (GRCh38, 1-based): chr9:34,493,318, T>C. VCF-style: chr9-34493318-T-C. GRCh37 (hg19) VCF-style: chr9-34493316-T-C.
Other names: c.818T>C, p.Met273Thr (NM_001281428.2); short protein forms M269T, M273T.
Identifiers: ClinVar variation 3226202 (VCV003226202.1), dbSNP rs1564034204, ClinGen allele CA373249458.
Genomic context (GRCh38, chr9:34,493,318, plus strand): 5'-AGGCAAAGACCCCAGTGGCTAAAAAATCAGGGAAGATGGCCATGAGGAAGCTGACATCTA[T>C]GGAGTCTCAGGTTTGGTGTTAGTTCCTACAGCTCTGCCACAGAATTTCTGAATGAGGCCT-3'
Protein context (NP_036276.1, residues 259-279): GKMAMRKLTS[Met269Thr]ESQTDDLIKL

ClinVar aggregate classification (germline): Uncertain significance (1 of 4 stars; one submission).

Conditions:
Primary ciliary dyskinesia. Also called: Ciliary dyskinesia. Identifiers: Orphanet 244, MedGen C0008780, MONDO:0016575, HP:0012265.

Submission:

Ambry Genetics
Classification: Uncertain significance for Primary ciliary dyskinesia. Last evaluated: 2024-03-04. Review status: criteria provided, single submitter. Criteria: Ambry Variant Classification Scheme 2023. Collection method: clinical testing. Allele origin: germline.
Comment: The p.M269T variant (also known as c.806T>C), located in coding exon 9 of the DNAI1 gene, results from a T to C substitution at nucleotide position 806. The methionine at codon 269 is replaced by threonine, an amino acid with similar properties. This amino acid position is conserved. In addition, this alteration is predicted to be tolerated by in silico analysis. Based on the available evidence, the clinical significance of this alteration remains unclear.